The following is an entry in ClinVar:

ClinVar aggregate classification (germline): Likely pathogenic (1 of 4 stars; one submission).

Conditions:
Mandibulofacial dysostosis-microcephaly syndrome (MFDGA). Also called: Growth and mental retardation, mandibulofacial dysostosis, microcephaly, and cleft palate; Mandibulofacial dysostosis, Guion-Almeida type. Identifiers: Orphanet 79113, MedGen C1864652, MONDO:0012516, OMIM 610536.

Submission:

Molecular Genetics Department, Kulakov National Medical Research Center for Obstetrics, Gynecology and Perinatology
Classification: Likely pathogenic for Mandibulofacial dysostosis-microcephaly syndrome. Review status: criteria provided, single submitter. Criteria: ACMG Guidelines, 2015. Collection method: clinical testing. Allele origin: germline. Affected: yes.
Comment: A previously undescribed nucleotide variant creates a premature translation stop signal p.Trp709Ter in the EFTUD2 gene. Loss-of-function variants are reported in patients with Mandibulofacial dysostosis, Guion-Almeida type, 610536. The variant is not present in population database (gnomAD no frequency). In summary, the currently available evidence indicates that the variant is pathogenic, but additional data are needed to prove that conclusively. Therefore, this variant has been classified as likely pathogenic.

NM_004247.4(EFTUD2):c.2126G>A (p.Trp709Ter)

Gene: EFTUD2 (elongation factor Tu GTP binding domain containing 2; minus strand). Cytogenetic location: 17q21.31.
Variant type: single nucleotide variant.
Coding change: c.2126G>A on transcript NM_004247.4 (MANE Select); coding-DNA position 2126, G replaced by A.
Protein change: p.Trp709Ter; replaces tryptophan 709 with a stop codon.
Molecular consequence: nonsense.
Genome position (GRCh38, 1-based): chr17:44,854,924, C>T on the plus strand (G>A on the coding strand, the complement: EFTUD2 is on the minus strand). VCF-style: chr17-44854924-C-T. GRCh37 (hg19) VCF-style: chr17-42932292-C-T.
Other names: c.2021G>A, p.Trp674Ter (NM_001142605.2); c.2126G>A, p.Trp709Ter (NM_001258353.2); c.2096G>A, p.Trp699Ter (NM_001258354.2); short protein forms W674*, W699*, W709*.
Identifiers: ClinVar variation 3062263 (VCV003062263.1), dbSNP rs2508731371, ClinGen allele CA399843570.